The following is an entry in ClinVar:

ClinVar aggregate classification (germline): Uncertain significance (1 of 4 stars; one submission).

Submission:

Ambry Genetics
Classification: Uncertain significance. Last evaluated: 2022-12-12. Review status: criteria provided, single submitter. Criteria: Ambry Variant Classification Scheme 2023. Collection method: clinical testing. Allele origin: germline.
Comment: The p.Y68N variant (also known as c.202T>A), located in coding exon 2 of the ALPK2 gene, results from a T to A substitution at nucleotide position 202. The tyrosine at codon 68 is replaced by asparagine, an amino acid with dissimilar properties. This amino acid position is conserved. In addition, this alteration is predicted to be tolerated by in silico analysis. Since supporting evidence is limited at this time, the clinical significance of this alteration remains unclear.

NM_052947.4(ALPK2):c.202T>A (p.Tyr68Asn)

Gene: ALPK2 (alpha kinase 2; minus strand). Cytogenetic location: 18q21.32.
Variant type: single nucleotide variant.
Coding change: c.202T>A on transcript NM_052947.4 (MANE Select); coding-DNA position 202, T replaced by A.
Protein change: p.Tyr68Asn; replaces tyrosine 68 with asparagine.
Molecular consequence: missense variant.
Genome position (GRCh38, 1-based): chr18:58,607,347, A>T on the plus strand (T>A on the coding strand, the complement: ALPK2 is on the minus strand). VCF-style: chr18-58607347-A-T. GRCh37 (hg19) VCF-style: chr18-56274579-A-T.
Other names: short protein forms Y68N.
Identifiers: ClinVar variation 2449225 (VCV002449225.2), dbSNP rs2518912911, ClinGen allele CA402555786.